The following is an entry in ClinVar:

NM_017849.4(TMEM127):c.255dup (p.Asn86fs)

Gene: TMEM127 (transmembrane protein 127; minus strand). Cytogenetic location: 2q11.2.
Variant type: Duplication.
Coding change: c.255dup on transcript NM_017849.4 (MANE Select); coding-DNA position 255, one base duplicated (G; older notation c.255dupG).
Protein change: p.Asn86fs; shifts the reading frame from asparagine 86.
Molecular consequence: frameshift variant. On other transcripts: initiator codon variant (2).
Genome position (GRCh38, 1-based): chr2:96,254,987, C duplicated on the plus strand (G on the coding strand, the reverse complement: TMEM127 is on the minus strand). VCF-style (leftmost placement, unchanged base first): chr2-96254986-T-TC. GRCh37 (hg19) VCF-style: chr2-96920724-T-TC.
Other names: c.255dup, p.Asn86fs (NM_001193304.3); c.3dup, p.Asn2fs (NM_001407282.1, NM_001407283.1); short protein forms N2fs, N86fs.
Identifiers: ClinVar variation 5042295 (VCV005042295.1).

ClinVar aggregate classification (germline): Pathogenic (1 of 4 stars; one submission).

Conditions:
Hereditary pheochromocytoma and paraganglioma. Also called: Hereditary Paraganglioma-Pheochromocytoma Syndromes; Hereditary paragangliomas and pheochromocytomas; Hereditary pheochromocytoma-paraganglioma. Identifiers: Orphanet 29072, MedGen C4274332, MONDO:0017366.

Submission:

Myriad Genetics, Inc.
Classification: Pathogenic for Hereditary pheochromocytoma and paraganglioma. Last evaluated: 2026-09-16. Review status: criteria provided, single submitter. Criteria: Myriad Autosomal Dominant, Autosomal Recessive and X-Linked Classification Criteria (2023). Collection method: clinical testing. Allele origin: unknown.
Comment: This variant is considered pathogenic. This variant creates a frameshift predicted to result in premature protein truncation.